The following is an entry in ClinVar:

NM_000535.7(PMS2):c.1850C>G (p.Pro617Arg)

Gene: PMS2 (PMS1 homolog 2, mismatch repair system component; minus strand). Cytogenetic location: 7p22.1.
Variant type: single nucleotide variant.
Coding change: c.1850C>G on transcript NM_000535.7 (MANE Select); coding-DNA position 1850, C replaced by G.
Protein change: p.Pro617Arg; replaces proline 617 with arginine.
Molecular consequence: missense variant. On other transcripts: non-coding transcript variant (1).
Genome position (GRCh38, 1-based): chr7:5,986,915, G>C on the plus strand (C>G on the coding strand, the complement: PMS2 is on the minus strand). VCF-style: chr7-5986915-G-C. GRCh37 (hg19) VCF-style: chr7-6026546-G-C.
Other names: c.1445C>G, p.Pro482Arg (NM_001322003.2, NM_001322004.2, NM_001322005.2 and 1 more transcripts); c.1694C>G, p.Pro565Arg (NM_001322006.2); c.1532C>G, p.Pro511Arg (NM_001322007.2, NM_001322008.2); c.1289C>G, p.Pro430Arg (NM_001322010.2); c.917C>G, p.Pro306Arg (NM_001322011.2, NM_001322012.2); c.1277C>G, p.Pro426Arg (NM_001322013.2); c.1850C>G, p.Pro617Arg (NM_001322014.2); c.1541C>G, p.Pro514Arg (NM_001322015.2); short protein forms P430R, P511R, P482R, P306R, P514R, P617R, P426R, P565R.
Identifiers: ClinVar variation 846225 (VCV000846225.12), dbSNP rs747785888, ClinGen allele CA366739592.
Genomic context (GRCh38, chr7:5,986,915, plus strand): 5'-TGTGCTTCATGATGTAACTGCTTTATTCGTTTAGCTAAAGAACTCATAGAAAAGTCCAGG[G>C]GCACAACTTTCTTATTAATTTTCACAGCTACATCAACCTGAGAGGCTGACATGTCCTGAG-3'
Protein context (NP_000526.2, residues 607-627): VAVKINKKVV[Pro617Arg]LDFSMSSLAK

ClinVar aggregate classification (germline): Uncertain significance. Review status: criteria provided, multiple submitters, no conflicts (2 of 4 stars). 2 submissions from 2 submitters: Uncertain significance (2). Last evaluated 2022-10-12.

Conditions:
Hereditary nonpolyposis colorectal neoplasms. Identifiers: MedGen C0009405, MeSH D003123.
Hereditary cancer-predisposing syndrome. Also called: Tumor predisposition; Hereditary neoplastic syndrome; Neoplastic Syndromes, Hereditary; Hereditary Cancer Syndrome. Identifiers: Orphanet 140162, MedGen C0027672, MeSH D009386, MONDO:0015356.

Submissions (2):

Ambry Genetics
Classification: Uncertain significance for Hereditary cancer-predisposing syndrome. Last evaluated: 2022-10-12. Review status: criteria provided, single submitter. Criteria: Ambry Variant Classification Scheme 2023. Collection method: clinical testing. Allele origin: germline.
Comment: The p.P617R variant (also known as c.1850C>G), located in coding exon 11 of the PMS2 gene, results from a C to G substitution at nucleotide position 1850. The proline at codon 617 is replaced by arginine, an amino acid with dissimilar properties. This amino acid position is conserved. In addition, this alteration is predicted to be tolerated by in silico analysis. Since supporting evidence is limited at this time, the clinical significance of this alteration remains unclear.

Labcorp Genetics (formerly Invitae), Labcorp
Classification: Uncertain significance for Hereditary nonpolyposis colorectal neoplasms. Last evaluated: 2019-04-24. Review status: criteria provided, single submitter. Criteria: Invitae Variant Classification Sherloc (09022015). Collection method: clinical testing. Allele origin: germline.
Comment: In summary, the available evidence is currently insufficient to determine the role of this variant in disease. Therefore, it has been classified as a Variant of Uncertain Significance. Algorithms developed to predict the effect of missense changes on protein structure and function (SIFT, PolyPhen-2, Align-GVGD) all suggest that this variant is likely to be tolerated, but these predictions have not been confirmed by published functional studies and their clinical significance is uncertain. This variant has not been reported in the literature in individuals with PMS2-related conditions. This variant is not present in population databases (ExAC no frequency). This sequence change replaces proline with arginine at codon 617 of the PMS2 protein (p.Pro617Arg). The proline residue is weakly conserved and there is a moderate physicochemical difference between proline and arginine.